The following is an entry in ClinVar:

ClinVar aggregate classification (germline): Likely benign. Review status: criteria provided, multiple submitters, no conflicts (2 of 4 stars). 2 submissions from 2 submitters: Likely benign (2). Last evaluated 2025-12-08.

Conditions:
Developmental and epileptic encephalopathy, 8 (DEE8). Also called: HYPEREKPLEXIA AND EPILEPSY. Identifiers: Orphanet 163985, Orphanet 2076, MedGen C1845102, MONDO:0010375, OMIM 300607.

Allele frequency attached by ClinVar (database versions not stated): gnomAD 0.00001; gnomAD exomes 0.00001 and 0.00005; TOPMed 0.00001.
gnomAD v4.1: 8 of 1,170,883 alleles (0.00068%); highest among the groups gnomAD compares: Admixed American, 0.015%; no homozygotes.

Submissions (2):

Labcorp Genetics (formerly Invitae), Labcorp
Classification: Likely benign for Developmental and epileptic encephalopathy, 8. Last evaluated: 2025-12-08. Review status: criteria provided, single submitter. Criteria: Invitae Variant Classification Sherloc (09022015). Collection method: clinical testing. Allele origin: germline.

Mayo Clinic Laboratories, Mayo Clinic
Classification: Likely benign. Last evaluated: 2025-04-01. Review status: criteria provided, single submitter. Criteria: ACMG Guidelines, 2015. Collection method: clinical testing. Allele origin: germline. Observed: 1 variant allele.
Comment: BP4, BP7

NM_001353921.2(ARHGEF9):c.1391-4C>G

Gene: ARHGEF9 (Cdc42 guanine nucleotide exchange factor 9; minus strand). Cytogenetic location: Xq11.1.
Variant type: single nucleotide variant.
Coding change: c.1391-4C>G on transcript NM_001353921.2 (MANE Select); 4 bases into the intron before coding-DNA position 1391, C replaced by G.
Molecular consequence: intron variant.
Genome position (GRCh38, 1-based): chrX:63,638,213, G>C on the plus strand (C>G on the coding strand, the complement: ARHGEF9 is on the minus strand). VCF-style: chrX-63638213-G-C. GRCh37 (hg19) VCF-style: chrX-62858093-G-C.
Other names: p.?; c.1211-4C>G (NM_001173479.2); c.1259-4C>G (NM_001353922.2); c.*28-4C>G (NM_001369043.1, NM_001369044.1); c.1307-4C>G (NM_001330495.2, NM_001369038.1, NM_001369037.1 and 4 more transcripts); c.1409-4C>G (NM_001353923.1); c.1175-4C>G (NM_001369041.1, NM_001353927.2); c.1190-4C>G (NM_001369040.1, NM_001369039.1, NM_001353926.2 and 1 more transcripts); and 4 more.
Identifiers: ClinVar variation 1044846 (VCV001044846.8), dbSNP rs1556301481, ClinGen allele CA642471945.